The following is an entry in ClinVar:

NM_001079802.2(FKTN):c.685G>A (p.Val229Ile)

Gene: FKTN (fukutin; plus strand). Cytogenetic location: 9q31.2.
Variant type: single nucleotide variant.
Coding change: c.685G>A on transcript NM_001079802.2 (MANE Select); coding-DNA position 685, G replaced by A.
Protein change: p.Val229Ile; replaces valine 229 with isoleucine.
Molecular consequence: missense variant. On other transcripts: non-coding transcript variant (2).
Genome position (GRCh38, 1-based): chr9:105,607,856, G>A. VCF-style: chr9-105607856-G-A. GRCh37 (hg19) VCF-style: chr9-108370137-G-A.
Other names: c.685G>A, p.Val229Ile (NM_001198963.2, NM_001351496.2, NM_001351498.2 and 1 more transcripts); c.616G>A, p.Val206Ile (NM_001351497.2); c.289G>A, p.Val97Ile (NM_001351499.2, NM_001351500.2, NM_001351501.2 and 1 more transcripts); short protein forms V206I, V229I, V97I.
Identifiers: ClinVar variation 1506387 (VCV001506387.7), dbSNP rs772111890, ClinGen allele CA5170470.

ClinVar aggregate classification (germline): Uncertain significance. Review status: criteria provided, multiple submitters, no conflicts (2 of 4 stars). 3 submissions from 3 submitters: Uncertain significance (3). Last evaluated 2023-07-14.

Conditions:
Cardiovascular phenotype. Identifiers: MedGen CN230736.
Walker-Warburg congenital muscular dystrophy. Also called: Muscular dystrophy-dystroglycanopathy, type A; Walker-Warburg syndrome. Identifiers: Orphanet 899, MedGen C0265221, MONDO:0000171.

Allele frequency attached by ClinVar (database versions not stated): TOPMed below 0.00001; gnomAD 0.00001; gnomAD exomes 0.00001 and 0.00002; ExAC 0.00002.

Submissions (3):

Revvity Omics, Revvity
Classification: Uncertain significance. Last evaluated: 2023-07-14. Review status: criteria provided, single submitter. Criteria: ACMG Guidelines, 2015. Collection method: clinical testing. Allele origin: germline.

Labcorp Genetics (formerly Invitae), Labcorp
Classification: Uncertain significance for Walker-Warburg congenital muscular dystrophy. Last evaluated: 2022-07-19. Review status: criteria provided, single submitter. Criteria: Invitae Variant Classification Sherloc (09022015). Collection method: clinical testing. Allele origin: germline.
Comment: This sequence change replaces valine, which is neutral and non-polar, with isoleucine, which is neutral and non-polar, at codon 229 of the FKTN protein (p.Val229Ile). This variant is present in population databases (rs772111890, gnomAD 0.003%). This variant has not been reported in the literature in individuals affected with FKTN-related conditions. ClinVar contains an entry for this variant (Variation ID: 1506387). Algorithms developed to predict the effect of missense changes on protein structure and function output the following: SIFT: "Tolerated"; PolyPhen-2: "Benign"; Align-GVGD: "Class C0". The isoleucine amino acid residue is found in multiple mammalian species, which suggests that this missense change does not adversely affect protein function. In summary, the available evidence is currently insufficient to determine the role of this variant in disease. Therefore, it has been classified as a Variant of Uncertain Significance.

Ambry Genetics
Classification: Uncertain significance for Cardiovascular phenotype. Last evaluated: 2022-06-27. Review status: criteria provided, single submitter. Criteria: Ambry Variant Classification Scheme 2023. Collection method: clinical testing. Allele origin: germline.
Comment: The p.V229I variant (also known as c.685G>A), located in coding exon 5 of the FKTN gene, results from a G to A substitution at nucleotide position 685. The valine at codon 229 is replaced by isoleucine, an amino acid with highly similar properties. This amino acid position is conserved. In addition, this alteration is predicted to be tolerated by in silico analysis. Since supporting evidence is limited at this time, the clinical significance of this alteration remains unclear.